The following is an entry in ClinVar:

NM_014000.3(VCL):c.2131+4G>A

Gene: VCL (vinculin; plus strand). Cytogenetic location: 10q22.2.
Variant type: single nucleotide variant.
Coding change: c.2131+4G>A on transcript NM_014000.3 (MANE Select); 4 bases into the intron after coding-DNA position 2131, G replaced by A.
Molecular consequence: intron variant.
Genome position (GRCh38, 1-based): chr10:74,103,932, G>A. VCF-style: chr10-74103932-G-A. GRCh37 (hg19) VCF-style: chr10-75863690-G-A.
Other names: c.2131+4G>A (NM_003373.4).
Identifiers: ClinVar variation 4615411 (VCV004615411.1).

ClinVar aggregate classification (germline): Uncertain significance (1 of 4 stars; one submission).

Conditions:
Cardiovascular phenotype. Identifiers: MedGen CN230736.

Submission:

Ambry Genetics
Classification: Uncertain significance for Cardiovascular phenotype. Last evaluated: 2025-12-01. Review status: criteria provided, single submitter. Criteria: Ambry Variant Classification Scheme 2023. Collection method: clinical testing. Allele origin: germline.
Comment: The c.2131+4G>A intronic variant results from a G to A substitution 4 nucleotides after coding exon 15 in the VCL gene. This nucleotide position is not well conserved in available vertebrate species. In silico splice site analysis predicts that this alteration will not have any significant effect on splicing. Based on the available evidence, the clinical significance of this variant remains unclear.